The following is an entry in ClinVar:

ClinVar aggregate classification (germline): Uncertain significance (1 of 4 stars; one submission).

Submission:

GeneDx
Classification: Uncertain significance. Last evaluated: 2023-12-03. Review status: criteria provided, single submitter. Criteria: GeneDx Variant Classification Process June 2021. Collection method: clinical testing. Allele origin: germline. Affected: yes.
Comment: Has not been previously published as pathogenic or benign to our knowledge; Not observed at significant frequency in large population cohorts (gnomAD); In-frame deletion of 1 amino acid in a non-repeat region; In silico analysis supports a deleterious effect on protein structure/function

NM_020719.3(PRR12):c.4963AAG[1] (p.Lys1656del)

Gene: PRR12 (proline rich 12; plus strand). Cytogenetic location: 19q13.33.
Variant type: Microsatellite.
Coding change: c.4963AAG[1] on transcript NM_020719.3 (MANE Select); one copy of the 3-base unit AAG starting at c.4963; the reference has two copies in a row; one copy, 3 bases deleted.
Protein change: p.Lys1656del; deletes lysine 1656.
Genome position (GRCh38, 1-based): chr19:49,614,951-49,614,953, AAG deleted; deleting any 3 consecutive bases within chr19:49,614,948-49,614,953 gives the same sequence; the position shown is the placement nearest the transcript's 3' end. VCF-style (leftmost placement, unchanged base first): chr19-49614947-TAAG-T. GRCh37 (hg19) VCF-style: chr19-50118204-TAAG-T.
Other names: short protein forms K1656del.
Identifiers: ClinVar variation 3364899 (VCV003364899.1).